The following is an entry in ClinVar:

ClinVar aggregate classification (germline): Uncertain significance (1 of 4 stars; one submission).

gnomAD v4.1: 6 of 1,613,740 alleles (0.00037%); highest among the groups gnomAD compares: South Asian, 0.0044%; no homozygotes.

Submission:

GeneDx
Classification: Uncertain significance. Last evaluated: 2023-11-15. Review status: criteria provided, single submitter. Criteria: GeneDx Variant Classification Process June 2021. Collection method: clinical testing. Allele origin: germline. Affected: yes.
Comment: Not observed at significant frequency in large population cohorts (gnomAD); In silico analysis supports that this missense variant has a deleterious effect on protein structure/function; Has not been previously published as pathogenic or benign to our knowledge

NM_014991.6(WDFY3):c.3310A>G (p.Ser1104Gly)

Gene: WDFY3 (WD repeat and FYVE domain containing 3; minus strand). Cytogenetic location: 4q21.23.
Variant type: single nucleotide variant.
Coding change: c.3310A>G on transcript NM_014991.6 (MANE Select); coding-DNA position 3310, A replaced by G.
Protein change: p.Ser1104Gly; replaces serine 1104 with glycine.
Molecular consequence: missense variant.
Genome position (GRCh38, 1-based): chr4:84,794,696, T>C on the plus strand (A>G on the coding strand, the complement: WDFY3 is on the minus strand). VCF-style: chr4-84794696-T-C. GRCh37 (hg19) VCF-style: chr4-85715849-T-C.
Other names: short protein forms S1104G.
Identifiers: ClinVar variation 3364410 (VCV003364410.1).